The following is an entry in ClinVar:

NM_006790.3(MYOT):c.859G>A (p.Gly287Arg)

Genes: MYOT (myotilin; plus strand), PKD2L2-DT (PKD2L2 divergent transcript; minus strand). Cytogenetic location: 5q31.2.
Variant type: single nucleotide variant.
Coding change: c.859G>A on transcript NM_006790.3 (MANE Select); coding-DNA position 859, G replaced by A.
Protein change: p.Gly287Arg; replaces glycine 287 with arginine.
Molecular consequence: missense variant.
Genome position (GRCh38, 1-based): chr5:137,883,426, G>A. VCF-style: chr5-137883426-G-A. GRCh37 (hg19) VCF-style: chr5-137219115-G-A.
Other names: c.307G>A, p.Gly103Arg (NM_001135940.2); c.514G>A, p.Gly172Arg (NM_001300911.2); short protein forms G103R, G172R, G287R.
Identifiers: ClinVar variation 809804 (VCV000809804.49), dbSNP rs374221793, ClinGen allele CA3423067.
Genomic context (GRCh38, chr5:137,883,426, plus strand): 5'-TTGTGTTTTTCTTTCTAGGTGAGTGGACTGCCAGCTCCTGATGTGTCATGGTATCTAAAT[G>A]GAAGAACAGTTCAATCAGATGATTTGCACAAAATGATAGTGTCTGAGAAGGGTCTTCATT-3'
Protein context (NP_006781.1, residues 277-297): PAPDVSWYLN[Gly287Arg]RTVQSDDLHK

ClinVar aggregate classification (germline): Uncertain significance. Review status: criteria provided, multiple submitters, no conflicts (2 of 4 stars). 2 submissions from 2 submitters: Uncertain significance (2). Last evaluated 2025-03-31.

Conditions:
Myofibrillar myopathy 3 (MFM3). Also called: Muscular dystrophy, proximal, type 1A; Autosomal dominant spheroid body myopathy. Identifiers: Orphanet 266, Orphanet 268129, MedGen C3714934, MONDO:0012215, OMIM 609200.

Allele frequency attached by ClinVar (database versions not stated): gnomAD 0.00001 and 0.00002; gnomAD exomes 0.00001; TOPMed 0.00001; ExAC 0.00002; ESP Exome Variant Server 0.00008; 1000 Genomes Project 30x 0.00016; 1000 Genomes Project 0.00020.
gnomAD v4.1: 16 of 1,614,066 alleles (0.00099%); highest among the groups gnomAD compares: African/African-American, 0.0013%; no homozygotes.

Submissions (2):

Labcorp Genetics (formerly Invitae), Labcorp
Classification: Uncertain significance for Myofibrillar myopathy 3. Last evaluated: 2025-03-31. Review status: criteria provided, single submitter. Criteria: Invitae Variant Classification Sherloc (09022015). Collection method: clinical testing. Allele origin: germline.
Comment: This sequence change replaces glycine, which is neutral and non-polar, with arginine, which is basic and polar, at codon 287 of the MYOT protein (p.Gly287Arg). This variant is present in population databases (rs374221793, gnomAD 0.007%). This variant has not been reported in the literature in individuals affected with MYOT-related conditions. ClinVar contains an entry for this variant (Variation ID: 809804). Invitae Evidence Modeling of protein sequence and biophysical properties (such as structural, functional, and spatial information, amino acid conservation, physicochemical variation, residue mobility, and thermodynamic stability) indicates that this missense variant is not expected to disrupt MYOT protein function with a negative predictive value of 80%. In summary, the available evidence is currently insufficient to determine the role of this variant in disease. Therefore, it has been classified as a Variant of Uncertain Significance.

CeGaT Center for Human Genetics Tuebingen
Classification: Uncertain significance. Last evaluated: 2016-09-01. Review status: criteria provided, single submitter. Criteria: CeGaT Center For Human Genetics Tuebingen Variant Classification Criteria Version 2. Collection method: clinical testing. Allele origin: germline. Affected: yes. Observed: 1 variant allele.